The following is an entry in ClinVar:

ClinVar aggregate classification (germline): Likely benign (1 of 4 stars; one submission).

gnomAD v4.1: 586 of 151,850 alleles (0.39%); highest among the groups gnomAD compares: African/African-American, 1.3%; 2 homozygotes.

Submission:

CeGaT Center for Human Genetics Tuebingen
Classification: Likely benign. Last evaluated: 2026-06-01. Review status: criteria provided, single submitter. Criteria: CeGaT Center For Human Genetics Tuebingen Variant Classification Criteria Version 2. Collection method: clinical testing. Allele origin: germline. Affected: yes. Observed: 1 variant allele.
Comment: CWC27: BS1

NM_005869.4(CWC27):c.939-21900G>A

Gene: CWC27 (CWC27 spliceosome associated cyclophilin; plus strand). Cytogenetic location: 5q12.3.
Variant type: single nucleotide variant.
Coding change: c.939-21900G>A on transcript NM_005869.4 (MANE Select); 21900 bases into the intron before coding-DNA position 939, G replaced by A.
Molecular consequence: intron variant.
Genome position (GRCh38, 1-based): chr5:64,863,543, G>A. VCF-style: chr5-64863543-G-A. GRCh37 (hg19) VCF-style: chr5-64159370-G-A.
Other names: c.939-21900G>A (NM_001297644.1, NM_001364478.1).
Identifiers: ClinVar variation 4874112 (VCV004874112.2).